The following is an entry in ClinVar:

NM_019594.4(LRRC8A):c.1460C>T (p.Ala487Val)

Gene: LRRC8A (leucine rich repeat containing 8 VRAC subunit A; plus strand). Cytogenetic location: 9q34.11.
Variant type: single nucleotide variant.
Coding change: c.1460C>T on transcript NM_019594.4 (MANE Select); coding-DNA position 1460, C replaced by T.
Protein change: p.Ala487Val; replaces alanine 487 with valine.
Molecular consequence: missense variant.
Genome position (GRCh38, 1-based): chr9:128,908,624, C>T. VCF-style: chr9-128908624-C-T. GRCh37 (hg19) VCF-style: chr9-131670903-C-T.
Other names: c.1460C>T, p.Ala487Val (NM_001127244.2, NM_001127245.2); short protein forms A487V.
Identifiers: ClinVar variation 2986100 (VCV002986100.3), dbSNP rs1225279411, ClinGen allele CA375081554.

ClinVar aggregate classification (germline): Uncertain significance (1 of 4 stars; one submission).

Allele frequency attached by ClinVar (database versions not stated): TOPMed 0.00001.
gnomAD v4.1: 9 of 1,612,642 alleles (0.00056%); highest among the groups gnomAD compares: Non-Finnish European, 0.00068%; no homozygotes.

Submission:

Labcorp Genetics (formerly Invitae), Labcorp
Classification: Uncertain significance. Last evaluated: 2025-08-10. Review status: criteria provided, single submitter. Criteria: Invitae Variant Classification Sherloc (09022015). Collection method: clinical testing. Allele origin: germline.
Comment: This sequence change replaces alanine, which is neutral and non-polar, with valine, which is neutral and non-polar, at codon 487 of the LRRC8A protein (p.Ala487Val). The frequency data for this variant in the population databases is considered unreliable, as metrics indicate poor data quality at this position in the gnomAD database. This variant has not been reported in the literature in individuals affected with LRRC8A-related conditions. ClinVar contains an entry for this variant (Variation ID: 2986100). An algorithm developed to predict the effect of missense changes on protein structure and function (PolyPhen-2) suggests that this variant is likely to be disruptive. In summary, the available evidence is currently insufficient to determine the role of this variant in disease. Therefore, it has been classified as a Variant of Uncertain Significance.